The following is an entry in ClinVar:

ClinVar aggregate classification (germline): Uncertain significance (1 of 4 stars; one submission).

Allele frequency attached by ClinVar (database versions not stated): gnomAD exomes below 0.00001.
gnomAD v4.1: 1 of 1,614,136 alleles (0.000062%); highest among the groups gnomAD compares: East Asian, 0.0022%; no homozygotes.

Submission:

GeneDx
Classification: Uncertain significance. Last evaluated: 2016-05-27. Review status: criteria provided, single submitter. Criteria: GeneDx Variant Classification (06012015). Collection method: clinical testing. Allele origin: germline. Affected: yes.
Comment: A variant of uncertain significance has been identified in the ANK2 gene. The T1221S variant has notbeen published as a pathogenic variant, nor has it been reported as a benign variant to our knowledge.T1221S was not observed in approximately 6,500 individuals of European and African Americanancestry in the NHLBI Exome Sequencing Project, indicating it is not a common benign variant inthese populations. Although the T1221S variant is a conservative amino acid substitution, which isnot likely to impact secondary protein structure as these residues share similar properties, thissubstitution occurs at a position that is conserved across species. As a result, in silico analysis predictsthis variant is probably damaging to the protein structure/function.Therefore, based on the currently available information, it is unclear whether this variant ispathogenic or rare benign.

NM_001148.6(ANK2):c.3662C>G (p.Thr1221Ser)

Gene: ANK2 (ankyrin 2; plus strand). Cytogenetic location: 4q26.
Variant type: single nucleotide variant.
Coding change: c.3662C>G on transcript NM_001148.6 (MANE Select); coding-DNA position 3662, C replaced by G.
Protein change: p.Thr1221Ser; replaces threonine 1221 with serine.
Molecular consequence: missense variant.
Genome position (GRCh38, 1-based): chr4:113,336,647, C>G. VCF-style: chr4-113336647-C-G. GRCh37 (hg19) VCF-style: chr4-114257803-C-G.
Other names: c.3635C>G, p.Thr1212Ser (NM_001127493.3); c.3674C>G, p.Thr1225Ser (NM_001354225.2); c.3563C>G, p.Thr1188Ser (NM_001354228.2, NM_001354258.2); c.3641C>G, p.Thr1214Ser (NM_001354230.2); c.3704C>G, p.Thr1235Ser (NM_001354231.2, NM_001354242.2); c.3698C>G, p.Thr1233Ser (NM_001354232.2); c.3659C>G, p.Thr1220Ser (NM_001354235.2, NM_001354246.2, NM_001354265.2); c.3560C>G, p.Thr1187Ser (NM_001354236.2); and 31 more; short protein forms T1212S, T1221S, T1126S, T1150S, T1155S, T1178S, T1187S, T1188S.
Identifiers: ClinVar variation 386542 (VCV000386542.2), dbSNP rs1057522525, ClinGen allele CA16604664.